The following is an entry in ClinVar:

ClinVar aggregate classification (germline): Uncertain significance (1 of 4 stars; one submission).

Conditions:
Developmental and epileptic encephalopathy, 31A. Also called: Epileptic encephalopathy, early infantile, 31; Developmental and epileptic encephalopathy, 31. Identifiers: Orphanet 2382, MedGen C4225357, MONDO:0014598, OMIM 616346.

Allele frequency attached by ClinVar (database versions not stated): gnomAD exomes below 0.00001.

Submission:

Labcorp Genetics (formerly Invitae), Labcorp
Classification: Uncertain significance for Developmental and epileptic encephalopathy, 31A. Last evaluated: 2019-10-24. Review status: criteria provided, single submitter. Criteria: Invitae Variant Classification Sherloc (09022015). Collection method: clinical testing. Allele origin: germline.
Comment: This sequence change replaces glycine with aspartic acid at codon 230 of the DNM1 protein (p.Gly230Asp). The glycine residue is highly conserved and there is a moderate physicochemical difference between glycine and aspartic acid. This variant is not present in population databases (ExAC no frequency). This variant has not been reported in the literature in individuals with DNM1-related conditions. Algorithms developed to predict the effect of missense changes on protein structure and function (SIFT, PolyPhen-2, Align-GVGD) all suggest that this variant is likely to be disruptive, but these predictions have not been confirmed by published functional studies and their clinical significance is uncertain. In summary, the available evidence is currently insufficient to determine the role of this variant in disease. Therefore, it has been classified as a Variant of Uncertain Significance.

NM_004408.4(DNM1):c.689G>A (p.Gly230Asp)

Gene: DNM1 (dynamin 1; plus strand). Cytogenetic location: 9q34.11.
Variant type: single nucleotide variant.
Coding change: c.689G>A on transcript NM_004408.4 (MANE Select); coding-DNA position 689, G replaced by A.
Protein change: p.Gly230Asp; replaces glycine 230 with aspartic acid.
Molecular consequence: missense variant.
Genome position (GRCh38, 1-based): chr9:128,220,181, G>A. VCF-style: chr9-128220181-G-A. GRCh37 (hg19) VCF-style: chr9-130982460-G-A.
Other names: c.689G>A, p.Gly230Asp (NM_001005336.3, NM_001288737.2, NM_001288738.2 and 2 more transcripts); short protein forms G230D.
Identifiers: ClinVar variation 972317 (VCV000972317.10), dbSNP rs1834860828, ClinGen allele CA375012841.